The following is an entry in ClinVar:

ClinVar aggregate classification (germline): Likely benign. Review status: criteria provided, multiple submitters, no conflicts (2 of 4 stars). 2 submissions from 2 submitters: Likely benign (2). Last evaluated 2025-06-10.

Conditions:
KIDINS220-related disorder. Also called: KIDINS220-related condition.

Allele frequency attached by ClinVar (database versions not stated): gnomAD exomes below 0.00001; gnomAD 0.00001; ExAC 0.00002; TOPMed 0.00002.
gnomAD v4.1: 7 of 1,600,614 alleles (0.00044%); highest among the groups gnomAD compares: African/African-American, 0.004%; no homozygotes.

Submissions (2):

PreventionGenetics, part of Exact Sciences
Classification: Likely benign for KIDINS220-related condition. Last evaluated: 2025-06-10. Review status: criteria provided, single submitter. Criteria: ACMG Guidelines, 2015. Collection method: clinical testing. Allele origin: germline.
Comment: This variant is classified as likely benign based on ACMG/AMP sequence variant interpretation guidelines (Richards et al. 2015 PMID: 25741868, with internal and published modifications).

Labcorp Genetics (formerly Invitae), Labcorp
Classification: Likely benign. Last evaluated: 2024-01-22. Review status: criteria provided, single submitter. Criteria: Invitae Variant Classification Sherloc (09022015). Collection method: clinical testing. Allele origin: germline.

NM_020738.4(KIDINS220):c.597A>G (p.Glu199=)

Gene: KIDINS220 (kinase D interacting substrate 220; minus strand). Cytogenetic location: 2p25.1.
Variant type: single nucleotide variant.
Coding change: c.597A>G on transcript NM_020738.4 (MANE Select); coding-DNA position 597, A replaced by G.
Protein change: p.Glu199=; no amino-acid change (glutamic acid 199 retained).
Molecular consequence: synonymous variant. On other transcripts: non-coding transcript variant (2).
Genome position (GRCh38, 1-based): chr2:8,806,277, T>C on the plus strand (A>G on the coding strand, the complement: KIDINS220 is on the minus strand). VCF-style: chr2-8806277-T-C. GRCh37 (hg19) VCF-style: chr2-8946407-T-C.
Other names: c.600A>G, p.Glu200= (NM_001348729.2, NM_001348731.2, NM_001348734.2 and 3 more transcripts); c.597A>G, p.Glu199= (NM_001348732.2, NM_001348735.2, NM_001348738.2 and 3 more transcripts); c.597A>G (NM_020738.2); c.471A>G, p.Glu157= (NM_001348736.2).
Identifiers: ClinVar variation 2982860 (VCV002982860.4), dbSNP rs765354620, ClinGen allele CA1520391.